The following is an entry in ClinVar:

ClinVar aggregate classification (germline): Uncertain significance. Review status: criteria provided, multiple submitters, no conflicts (2 of 4 stars). 5 submissions from 5 submitters: Uncertain significance (5). Last evaluated 2022-01-26.

Conditions:
Microcephaly 7, primary, autosomal recessive. Identifiers: Orphanet 2512, MedGen C2675187, MONDO:0012989, OMIM 612703.

Submissions (5):

Fulgent Genetics
Classification: Uncertain significance for Microcephaly 7, primary, autosomal recessive. Last evaluated: 2022-01-26. Review status: criteria provided, single submitter. Criteria: ACMG Guidelines, 2015. Collection method: clinical testing. Allele origin: unknown.

Labcorp Genetics (formerly Invitae), Labcorp
Classification: Uncertain significance. Last evaluated: 2021-06-19. Review status: criteria provided, single submitter. Criteria: Invitae Variant Classification Sherloc (09022015). Collection method: clinical testing. Allele origin: germline.
Comment: Experimental studies and prediction algorithms are not available or were not evaluated, and the functional significance of this variant is currently unknown. This variant, c.2021_2023del, results in the deletion of 1 amino acid(s) of the STIL protein (p.Cys674del), but otherwise preserves the integrity of the reading frame. This variant is not present in population databases (ExAC no frequency). This variant has not been reported in the literature in individuals with STIL-related conditions. ClinVar contains an entry for this variant (Variation ID: 160054). In summary, the available evidence is currently insufficient to determine the role of this variant in disease. Therefore, it has been classified as a Variant of Uncertain Significance.

Revvity Omics, Revvity
Classification: Uncertain significance for Microcephaly 7, primary, autosomal recessive. Last evaluated: 2020-09-04. Review status: criteria provided, single submitter. Criteria: ACMG Guidelines, 2015. Collection method: clinical testing. Allele origin: germline.

Genetic Services Laboratory, University of Chicago
Classification: Uncertain significance for Microcephaly 7, primary, autosomal recessive. Last evaluated: 2013-02-08. Review status: criteria provided, single submitter. Criteria: ACMG Guidelines, 2007. Collection method: clinical testing. Allele origin: germline. Inheritance: Autosomal recessive inheritance.

Breakthrough Genomics
Classification: Uncertain significance. Review status: criteria provided, single submitter. Criteria: ACMG Guidelines, 2015. Collection method: not provided. Allele origin: germline. Inheritance: Autosomal recessive inheritance. Affected: yes.

NM_001048166.1(STIL):c.2018GTT[1] (p.Cys674del)

Gene: STIL (STIL centriolar assembly protein; minus strand). Cytogenetic location: 1p33.
Variant type: Microsatellite.
Coding change: c.2018GTT[1] on transcript NM_001048166.1 (MANE Select); one copy of the 3-base unit GTT starting at c.2018; the reference has two copies in a row; one copy, 3 bases deleted.
Protein change: p.Cys674del; deletes cysteine 674.
Molecular consequence: inframe deletion.
Genome position (GRCh38, 1-based): chr1:47,280,435-47,280,437, AAC deleted on the plus strand (GTT on the coding strand, the reverse complement: STIL is on the minus strand); deleting any 3 consecutive bases within chr1:47,280,435-47,280,440 gives the same sequence; the position shown is the placement nearest the transcript's 3' end. VCF-style (leftmost placement, unchanged base first): chr1-47280434-GAAC-G. GRCh37 (hg19) VCF-style: chr1-47746106-GAAC-G.
Other names: c.2018GTT[1], p.Cys674del (NM_001282936.1, NM_001282937.1, NM_003035.2); c.1877GTT[1], p.Cys627del (NM_001282938.1, NM_001282939.1, NM_001377417.1); c.2021_2023del (NM_003035.2); short protein forms C674del, C627del.
Identifiers: ClinVar variation 160054 (VCV000160054.19), dbSNP rs587784448, ClinGen allele CA272661.